The following is an entry in ClinVar:

NM_015335.5(MED13L):c.1388C>A (p.Ala463Asp)

Gene: MED13L (mediator complex subunit 13L; minus strand). Cytogenetic location: 12q24.21.
Variant type: single nucleotide variant.
Coding change: c.1388C>A on transcript NM_015335.5 (MANE Select); coding-DNA position 1388, C replaced by A.
Protein change: p.Ala463Asp; replaces alanine 463 with aspartic acid.
Molecular consequence: missense variant.
Genome position (GRCh38, 1-based): chr12:116,009,025, G>T on the plus strand (C>A on the coding strand, the complement: MED13L is on the minus strand). VCF-style: chr12-116009025-G-T. GRCh37 (hg19) VCF-style: chr12-116446830-G-T.
Other names: short protein forms A463D.
Identifiers: ClinVar variation 1683349 (VCV001683349.1), dbSNP rs2137386497, ClinGen allele CA386896792.
Genomic context (GRCh38, chr12:116,009,025, plus strand): 5'-GGTCTCTTTTGCAGCTTGTCTCCTTTTTCCTGTCTTTCTGCTGTTTTGTGCTTAGAAGAA[G>T]CAGGAGGTGGTAAAGATGAAGATGATGATGGTCCTGCACTGAACCCTGGTTGAGATACTG-3'
Protein context (NP_056150.1, residues 453-473): PSSSSSLPPP[Ala463Asp]SSKHKTAERQ

ClinVar aggregate classification (germline): Uncertain significance (1 of 4 stars; one submission).

Submission:

Women's Health and Genetics/Laboratory Corporation of America, LabCorp
Classification: Uncertain significance. Last evaluated: 2022-04-21. Review status: criteria provided, single submitter. Criteria: LabCorp Variant Classification Summary - May 2015. Collection method: clinical testing. Allele origin: germline.
Comment: Variant summary: MED13L c.1388C>A (p.Ala463Asp) results in a non-conservative amino acid change in the encoded protein sequence. Three of five in-silico tools predict a damaging effect of the variant on protein function. The variant was absent in 251266 control chromosomes (gnomAD). The available data on variant occurrences in the general population are insufficient to allow any conclusion about variant significance. To our knowledge, no occurrence of c.1388C>A in individuals affected with Intellectual Disability And Distinctive Facial Features With Or Without Cardiac Defects and no experimental evidence demonstrating its impact on protein function have been reported. No clinical diagnostic laboratories have submitted clinical-significance assessments for this variant to ClinVar after 2014. Based on the evidence outlined above, the variant was classified as uncertain significance.